The following is an entry in ClinVar:

ClinVar aggregate classification (germline): Pathogenic/Likely pathogenic. Review status: criteria provided, multiple submitters, no conflicts (2 of 4 stars). 7 submissions from 7 submitters: Pathogenic (5); Likely pathogenic (2). Last evaluated 2025-07-30.

Conditions:
Hereditary nonpolyposis colorectal neoplasms. Identifiers: MedGen C0009405, MeSH D003123.
Lynch syndrome 4 (LYNCH4). Also called: Hereditary non-polyposis colorectal cancer, type 4; Colorectal cancer, hereditary nonpolyposis, type 4. Identifiers: Orphanet 144, MedGen C1838333, MONDO:0013699, OMIM 614337. Disease mechanism: loss of function.
Hereditary cancer-predisposing syndrome. Also called: Hereditary neoplastic syndrome; Tumor predisposition; Neoplastic Syndromes, Hereditary; Hereditary Cancer Syndrome. Identifiers: Orphanet 140162, MedGen C0027672, MeSH D009386, MONDO:0015356.

Submissions (7):

GeneDx
Classification: Pathogenic. Last evaluated: 2025-07-30. Review status: criteria provided, single submitter. Criteria: GeneDx Variant Classification Process June 2021. Collection method: clinical testing. Allele origin: germline. Affected: yes.
Comment: Nonsense variant predicted to result in protein truncation or nonsense mediated decay in a gene for which loss of function is a known mechanism of disease; Not observed at significant frequency in large population cohorts (gnomAD); Truncating variants in this gene are considered pathogenic by a well-established clinical consortium and/or database; Has not been previously published as pathogenic or benign to our knowledge

Ambry Genetics
Classification: Pathogenic for Hereditary cancer-predisposing syndrome. Last evaluated: 2025-04-25. Review status: criteria provided, single submitter. Criteria: Ambry Variant Classification Scheme 2023. Collection method: clinical testing. Allele origin: germline.
Comment: The c.756_757delTG pathogenic mutation, located in coding exon 7 of the PMS2 gene, results from a deletion of two nucleotides at nucleotide positions 756 to 757, causing a translational frameshift with a predicted alternate stop codon (p.C252*). This variant is considered to be rare based on population cohorts in the Genome Aggregation Database (gnomAD). This alteration is expected to result in loss of function by premature protein truncation or nonsense-mediated mRNA decay. As such, this alteration is interpreted as a disease-causing mutation.

Myriad Genetics, Inc.
Classification: Pathogenic for Lynch syndrome 4. Last evaluated: 2023-09-19. Review status: criteria provided, single submitter. Criteria: Myriad Autosomal Dominant, Autosomal Recessive and X-Linked Classification Criteria (2023). Collection method: clinical testing. Allele origin: unknown.
Comment: This variant is considered pathogenic. This variant creates a termination codon and is predicted to result in premature protein truncation.

Color Diagnostics, LLC DBA Color Health
Classification: Pathogenic for Hereditary cancer-predisposing syndrome. Last evaluated: 2022-05-09. Review status: criteria provided, single submitter. Criteria: ACMG Guidelines, 2015. Collection method: clinical testing. Allele origin: germline.
Comment: This variant deletes 2 nucleotides in exon 7 of the PMS2 gene, creating a frameshift and premature translation stop signal. This variant is expected to result in an absent or non-functional protein product. To our knowledge, this variant has not been reported in individuals affected with hereditary cancer in the literature. This variant has not been identified in the general population by the Genome Aggregation Database (gnomAD). Loss of PMS2 function is a known mechanism of disease. Based on the available evidence, this variant is classified as Pathogenic.

Baylor Genetics
Classification: Likely pathogenic for Lynch syndrome 4. Last evaluated: 2022-02-17. Review status: criteria provided, single submitter. Criteria: ACMG Guidelines, 2015. Collection method: clinical testing. Allele origin: unknown.

Labcorp Genetics (formerly Invitae), Labcorp
Classification: Pathogenic for Hereditary nonpolyposis colorectal neoplasms. Last evaluated: 2021-07-08. Review status: criteria provided, single submitter. Criteria: Invitae Variant Classification Sherloc (09022015). Collection method: clinical testing. Allele origin: germline.
Comment: For these reasons, this variant has been classified as Pathogenic. ClinVar contains an entry for this variant (Variation ID: 421093). This variant has not been reported in the literature in individuals affected with PMS2-related conditions. This variant is not present in population databases (ExAC no frequency). This sequence change creates a premature translational stop signal (p.Cys252*) in the PMS2 gene. It is expected to result in an absent or disrupted protein product. Loss-of-function variants in PMS2 are known to be pathogenic (PMID: 21376568, 24362816).

Quest Diagnostics Nichols Institute San Juan Capistrano
Classification: Likely pathogenic. Last evaluated: 2018-04-13. Review status: criteria provided, single submitter. Criteria: Quest Diagnostics criteria. Collection method: clinical testing. Allele origin: germline.

Literature cited by the submitters: PubMed 21376568 (cited by Labcorp Genetics (formerly Invitae), Labcorp); PubMed 24362816 (cited by Labcorp Genetics (formerly Invitae), Labcorp).

NM_000535.7(PMS2):c.756_757del (p.Cys252_Glu253delinsTer)

Gene: PMS2 (PMS1 homolog 2, mismatch repair system component; minus strand). Cytogenetic location: 7p22.1.
Variant type: Microsatellite.
Coding change: c.756_757del on transcript NM_000535.7 (MANE Select); coding-DNA positions 756 to 757, 2 bases deleted (TG; older notation c.756_757delTG).
Protein change: p.Cys252_Glu253delinsTer.
Molecular consequence: nonsense. On other transcripts: 5 prime UTR variant (2), non-coding transcript variant (1).
Genome position (GRCh38, 1-based): chr7:5,997,372-5,997,373, CA deleted on the plus strand (TG on the coding strand, the reverse complement: PMS2 is on the minus strand); deleting any 2 consecutive bases within chr7:5,997,372-5,997,378 gives the same sequence; the c. name uses the placement nearest the transcript's 3' end. VCF-style (leftmost placement, unchanged base first): chr7-5997371-TCA-T. GRCh37 (hg19) VCF-style: chr7-6037002-TCA-T.
Other names: c.351_352del, p.Cys117_Glu118delinsTer (NM_001322003.2, NM_001322004.2, NM_001322005.2 and 2 more transcripts); c.756_757del, p.Cys252_Glu253delinsTer (NM_001322006.2, NM_001322014.2); c.438_439del, p.Cys146_Glu147delinsTer (NM_001322007.2, NM_001322008.2); c.-182TG[2] (NM_001322011.2, NM_001322012.2); c.183_184del, p.Cys61_Glu62delinsTer (NM_001322013.2); c.447_448del, p.Cys149_Glu150delinsTer (NM_001322015.2); c.756_757del (NM_000535.5).
Identifiers: ClinVar variation 421093 (VCV000421093.20), dbSNP rs1064794905, ClinGen allele CA16618523.